The following is an entry in ClinVar:

NM_000350.3(ABCA4):c.2160+1G>T

Gene: ABCA4 (ATP binding cassette subfamily A member 4; minus strand). Cytogenetic location: 1p22.1.
Variant type: single nucleotide variant.
Coding change: c.2160+1G>T on transcript NM_000350.3 (MANE Select); the canonical splice donor site of the intron after coding-DNA position 2160, G replaced by T.
Molecular consequence: splice donor variant.
Genome position (GRCh38, 1-based): chr1:94,060,536, C>A on the plus strand (G>T on the coding strand, the complement: ABCA4 is on the minus strand). VCF-style: chr1-94060536-C-A. GRCh37 (hg19) VCF-style: chr1-94526092-C-A.
Identifiers: ClinVar variation 236090 (VCV000236090.12), dbSNP rs61749427, ClinGen allele CA10602443.

ClinVar aggregate classification (germline): Pathogenic/Likely pathogenic. Review status: criteria provided, multiple submitters, no conflicts (2 of 4 stars). 5 submissions from 4 submitters: Pathogenic (4); Likely pathogenic (1). Last evaluated 2022-08-22.

Conditions:
ABCA4-related disorder. Also called: ABCA4-related condition; ABCA4-related disorders. Identifiers: MedGen CN239167.
Retinal dystrophy. Also called: Inherited retinal dystrophy. Identifiers: Orphanet 71862, MedGen C0854723, MeSH D058499, MONDO:0019118, HP:0000556.
Retinitis pigmentosa 19 (RP19). Also called: ABCA4-Related Retinitis Pigmentosa. Identifiers: Orphanet 791, MedGen C1866422, MONDO:0011137, OMIM 601718.
Severe early-childhood-onset retinal dystrophy (STGD1). Also called: Stargardt macular dystrophy; Juvenile onset macular degeneration; Stargardt disease 1; STGD; MACULAR DYSTROPHY WITH FLECKS, TYPE 1. Identifiers: Orphanet 364055, Orphanet 827, MedGen C1855465, MeSH D000080362, MONDO:0009549, OMIM 248200.

Allele frequency attached by ClinVar (database versions not stated): TOPMed below 0.00001; gnomAD 0.00001.
gnomAD v4.1: 1 of 1,613,306 alleles (0.000062%); highest among the groups gnomAD compares: Non-Finnish European, 0.000085%; no homozygotes.

Submissions (5):

Labcorp Genetics (formerly Invitae), Labcorp
Classification: Pathogenic. Last evaluated: 2022-08-22. Review status: criteria provided, single submitter. Criteria: Invitae Variant Classification Sherloc (09022015). Collection method: clinical testing. Allele origin: germline.
Comment: For these reasons, this variant has been classified as Pathogenic. Algorithms developed to predict the effect of sequence changes on RNA splicing suggest that this variant may disrupt the consensus splice site. ClinVar contains an entry for this variant (Variation ID: 236090). Disruption of this splice site has been observed in individuals with ABCA4-related conditions (PMID: 22395892, 27353947, 28947085, 29925512). This variant is not present in population databases (gnomAD no frequency). This sequence change affects a donor splice site in intron 14 of the ABCA4 gene. It is expected to disrupt RNA splicing. Variants that disrupt the donor or acceptor splice site typically lead to a loss of protein function (PMID: 16199547), and loss-of-function variants in ABCA4 are known to be pathogenic (PMID: 10958761, 24938718, 25312043, 26780318).

Blueprint Genetics
Classification: Pathogenic for ABCA4-related disorders. Last evaluated: 2022-07-27. Review status: criteria provided, single submitter. Criteria: ACMG Guidelines, 2015. Collection method: clinical testing. Allele origin: germline. Affected: yes. Observed: 5 variant alleles.

Institute of Medical Molecular Genetics, University of Zurich
Classification: Likely pathogenic for Retinitis pigmentosa 19. Last evaluated: 2021-01-30. Review status: criteria provided, single submitter. Criteria: ACMG Guidelines, 2015. Collection method: clinical testing. Allele origin: unknown. Affected: yes.

Institute of Human Genetics, Univ. Regensburg, Univ. Regensburg
Classification: Pathogenic for Retinal dystrophy. Last evaluated: 2018-01-01. Review status: criteria provided, single submitter. Criteria: ACMG Guidelines, 2015. Collection method: clinical testing. Allele origin: germline. Affected: yes.

Institute of Human Genetics, Univ. Regensburg, Univ. Regensburg
Classification: Pathogenic for Severe early-childhood-onset retinal dystrophy. Last evaluated: 2016-01-01. Review status: criteria provided, single submitter. Criteria: Schulz et al. (Invest Ophthalmol Vis Sci. 2017). Collection method: clinical testing, in vitro. Allele origin: germline, unknown. Affected: yes. Observed: 2 heterozygotes. Functional consequence: sequence_variant_affecting_splicing.

Literature cited by the submitters: PubMed 22395892 (cited by Labcorp Genetics (formerly Invitae), Labcorp); PubMed 27353947 (cited by Labcorp Genetics (formerly Invitae), Labcorp and Institute of Human Genetics, Univ. Regensburg, Univ. Regensburg); PubMed 28947085 (cited by Labcorp Genetics (formerly Invitae), Labcorp); PubMed 29925512 (cited by Labcorp Genetics (formerly Invitae), Labcorp); PubMed 16199547 (cited by Labcorp Genetics (formerly Invitae), Labcorp); PubMed 10958761 (cited by Labcorp Genetics (formerly Invitae), Labcorp); PubMed 24938718 (cited by Labcorp Genetics (formerly Invitae), Labcorp); PubMed 25312043 (cited by Labcorp Genetics (formerly Invitae), Labcorp); PubMed 26780318 (cited by Labcorp Genetics (formerly Invitae), Labcorp); PubMed 28118664 (cited by Institute of Human Genetics, Univ. Regensburg, Univ. Regensburg); PubMed 32307445 (cited by Institute of Human Genetics, Univ. Regensburg, Univ. Regensburg); PubMed 9973280 (cited by Institute of Human Genetics, Univ. Regensburg, Univ. Regensburg).